The following is an entry in ClinVar:

NM_000350.3(ABCA4):c.4605_4606insT (p.Lys1536Ter)

Gene: ABCA4 (ATP binding cassette subfamily A member 4; minus strand). Cytogenetic location: 1p22.1.
Variant type: Insertion.
Coding change: c.4605_4606insT on transcript NM_000350.3 (MANE Select); coding-DNA positions 4605 to 4606, T inserted.
Protein change: p.Lys1536Ter; replaces lysine 1536 with a stop codon.
Molecular consequence: nonsense.
Genome position: GRCh38 VCF-style: chr1-94024982-T-TA. GRCh37 (hg19) VCF-style: chr1-94490538-T-TA.
Other names: NM_000350.3:c.4605_4606insT; c.4383_4384insT, p.Lys1462Ter (NM_001425324.1); short protein forms K1462*, K1536*.
Identifiers: ClinVar variation 4538559 (VCV004538559.1).

ClinVar aggregate classification (germline): Pathogenic (3 of 4 stars; one submission).

Conditions:
ABCA4-related retinopathy. Also called: ABCA4-related retinoapthy; ABCA4 retinoapthy. Identifiers: MedGen CN322612, MONDO:0800406.

Submission:

ClinGen ABCA4 Variant Curation Expert Panel, Clingen
Classification: Pathogenic for ABCA4-related retinopathy. Last evaluated: 2025-12-05. Review status: reviewed by expert panel. Criteria: ClinGen ABCA4 ACMG Specifications V1.0.0. Collection method: curation. Allele origin: germline. Inheritance: Autosomal recessive inheritance.
Comment: The NM_000350.3(ABCA4):c.4605_4606insT (p.Lys1536Ter) variant in ABCA4 is a nonsense variant predicted to cause a premature stop codon in biologically relevant exon 31/50 leading to nonsense mediated decay in a gene in which loss-of-function is an established disease mechanism (PVS1). This variant is absent from gnomAD v4.1.0 (PM2_Supporting). The prevalence of the variant in affected individuals is significantly increased compared with the prevalence in controls with an OR of infinity and the CI is 4.92-infinity, which is above the ABCA4 VCEP threshold of >5, where the CI does not contain 1 (PS4; PMID: 35120629). In summary, this variant meets the criteria to be classified as pathogenic for ABCA4-related retinopathy based on the ACMG/AMP criteria applied, as specified by the ClinGen ABCA4 VCEP: PVS1, PS4, PM2_Supporting.